The following is an entry in ClinVar:

ClinVar aggregate classification (germline): Uncertain significance. Review status: criteria provided, multiple submitters, no conflicts (2 of 4 stars). 2 submissions from 2 submitters: Uncertain significance (2). Last evaluated 2025-02-16.

Conditions:
Spastic paraplegia. Identifiers: MedGen C0037772, HP:0001258.

Allele frequency attached by ClinVar (database versions not stated): gnomAD exomes below 0.00001; TOPMed below 0.00001; gnomAD 0.00001.
gnomAD v4.1: 2 of 1,614,094 alleles (0.00012%); highest among the groups gnomAD compares: African/African-American, 0.0013%; no homozygotes.

Submissions (2):

Laboratory of Genetics, Children's Clinical University Hospital Latvia
Classification: Uncertain significance. Last evaluated: 2025-02-16. Review status: criteria provided, single submitter. Criteria: ACMG Guidelines, 2015. Collection method: clinical testing. Allele origin: germline. Affected: yes.

Labcorp Genetics (formerly Invitae), Labcorp
Classification: Uncertain significance for Spastic paraplegia. Last evaluated: 2024-05-23. Review status: criteria provided, single submitter. Criteria: Invitae Variant Classification Sherloc (09022015). Collection method: clinical testing. Allele origin: germline.
Comment: This sequence change replaces threonine, which is neutral and polar, with methionine, which is neutral and non-polar, at codon 868 of the KIF5A protein (p.Thr868Met). This variant is not present in population databases (gnomAD no frequency). This variant has not been reported in the literature in individuals affected with KIF5A-related conditions. ClinVar contains an entry for this variant (Variation ID: 1387083). Advanced modeling of protein sequence and biophysical properties (such as structural, functional, and spatial information, amino acid conservation, physicochemical variation, residue mobility, and thermodynamic stability) has been performed at Invitae for this missense variant, however the output from this modeling did not meet the statistical confidence thresholds required to predict the impact of this variant on KIF5A protein function. In summary, the available evidence is currently insufficient to determine the role of this variant in disease. Therefore, it has been classified as a Variant of Uncertain Significance.

NM_004984.4(KIF5A):c.2603C>T (p.Thr868Met)

Gene: KIF5A (kinesin family member 5A; plus strand). Cytogenetic location: 12q13.3.
Variant type: single nucleotide variant.
Coding change: c.2603C>T on transcript NM_004984.4 (MANE Select); coding-DNA position 2603, C replaced by T.
Protein change: p.Thr868Met; replaces threonine 868 with methionine.
Molecular consequence: missense variant.
Genome position (GRCh38, 1-based): chr12:57,581,020, C>T. VCF-style: chr12-57581020-C-T. GRCh37 (hg19) VCF-style: chr12-57974803-C-T.
Other names: c.2336C>T, p.Thr779Met (NM_001354705.2); short protein forms T779M, T868M.
Identifiers: ClinVar variation 1387083 (VCV001387083.7), dbSNP rs1295436882, ClinGen allele CA385515105.